The following is an entry in ClinVar:

NM_024675.4(PALB2):c.905A>G (p.Asn302Ser)

Gene: PALB2 (partner and localizer of BRCA2; minus strand). Cytogenetic location: 16p12.2.
Variant type: single nucleotide variant.
Coding change: c.905A>G on transcript NM_024675.4 (MANE Select); coding-DNA position 905, A replaced by G.
Protein change: p.Asn302Ser; replaces asparagine 302 with serine.
Molecular consequence: missense variant. On other transcripts: intron variant (3).
Genome position (GRCh38, 1-based): chr16:23,635,641, T>C on the plus strand (A>G on the coding strand, the complement: PALB2 is on the minus strand). VCF-style: chr16-23635641-T-C. GRCh37 (hg19) VCF-style: chr16-23646962-T-C.
Other names: c.845A>G, p.Asn282Ser (NM_001407296.1); c.905A>G, p.Asn302Ser (NM_001407297.1, NM_001407298.1, NM_001407299.1 and 3 more transcripts); c.20A>G, p.Asn7Ser (NM_001407304.1, NM_001407305.1, NM_001407306.1 and 5 more transcripts); c.48+5469A>G (NM_001407314.1); c.-104-5172A>G (NM_001407313.1, NM_001407312.1); short protein forms N7S, N282S, N302S.
Identifiers: ClinVar variation 2768793 (VCV002768793.3), dbSNP rs2142431444, ClinGen allele CA395135498.

ClinVar aggregate classification (germline): Uncertain significance (1 of 4 stars; one submission).

Conditions:
Familial cancer of breast. Also called: hereditary breast carcinoma; BREAST CANCER, FAMILIAL; Hereditary breast cancer. Identifiers: Orphanet 227535, MedGen C0346153, MONDO:0016419, OMIM 114480. Disease mechanism: loss of function.

Submission:

Labcorp Genetics (formerly Invitae), Labcorp
Classification: Uncertain significance for Familial cancer of breast. Last evaluated: 2023-10-15. Review status: criteria provided, single submitter. Criteria: Invitae Variant Classification Sherloc (09022015). Collection method: clinical testing. Allele origin: germline.
Comment: This sequence change replaces asparagine, which is neutral and polar, with serine, which is neutral and polar, at codon 302 of the PALB2 protein (p.Asn302Ser). This variant is not present in population databases (gnomAD no frequency). This variant has not been reported in the literature in individuals affected with PALB2-related conditions. Advanced modeling of protein sequence and biophysical properties (such as structural, functional, and spatial information, amino acid conservation, physicochemical variation, residue mobility, and thermodynamic stability) performed at Invitae indicates that this missense variant is not expected to disrupt PALB2 protein function. In summary, the available evidence is currently insufficient to determine the role of this variant in disease. Therefore, it has been classified as a Variant of Uncertain Significance.